The following is an entry in ClinVar:

NM_000263.4(NAGLU):c.1141C>G (p.Leu381Val)

Gene: NAGLU (N-acetyl-alpha-glucosaminidase; plus strand). Cytogenetic location: 17q21.2.
Variant type: single nucleotide variant.
Coding change: c.1141C>G on transcript NM_000263.4 (MANE Select); coding-DNA position 1141, C replaced by G.
Protein change: p.Leu381Val; replaces leucine 381 with valine.
Molecular consequence: missense variant.
Genome position (GRCh38, 1-based): chr17:42,543,147, C>G. VCF-style: chr17-42543147-C-G. GRCh37 (hg19) VCF-style: chr17-40695165-C-G.
Other names: short protein forms L381V.
Identifiers: ClinVar variation 2102304 (VCV002102304.1), dbSNP rs2510658997, ClinGen allele CA399601211.
Genomic context (GRCh38, chr17:42,543,147, plus strand): 5'-TGGGGGCCCGCCCAGATCAGGGCTGTGCTGGGAGCTGTGCCCCGTGGCCGCCTCCTGGTT[C>G]TGGACCTGTTTGCTGAGAGCCAGCCTGTGTATACCCGCACTGCCTCCTTCCAGGGCCAGC-3'
Protein context (NP_000254.2, residues 371-391): GAVPRGRLLV[Leu381Val]DLFAESQPVY

ClinVar aggregate classification (germline): Uncertain significance (1 of 4 stars; one submission).

Conditions:
Charcot-Marie-Tooth disease axonal type 2V. Also called: CHARCOT-MARIE-TOOTH NEUROPATHY, TYPE 2V; CHARCOT-MARIE-TOOTH DISEASE, AXONAL, AUTOSOMAL DOMINANT, TYPE 2V. Identifiers: Orphanet 447964, MedGen C5569050, MONDO:0014665, OMIM 616491.
Mucopolysaccharidosis, MPS-III-B (MPS3B). Also called: N-ACETYL-ALPHA-D-GLUCOSAMINIDASE DEFICIENCY; NAGLU DEFICIENCY; SANFILIPPO SYNDROME B; MPS III B; MUCOPOLYSACCHARIDOSIS, TYPE IIIB; MPS IIIB (Sanfilippo Syndrome Type B). Identifiers: Orphanet 79270, MedGen C0086648, MONDO:0009656, OMIM 252920.

Submission:

Labcorp Genetics (formerly Invitae), Labcorp
Classification: Uncertain significance for Charcot-Marie-Tooth disease axonal type 2V; Mucopolysaccharidosis, MPS-III-B. Last evaluated: 2022-02-23. Review status: criteria provided, single submitter. Criteria: Invitae Variant Classification Sherloc (09022015). Collection method: clinical testing. Allele origin: germline.
Comment: This sequence change replaces leucine, which is neutral and non-polar, with valine, which is neutral and non-polar, at codon 381 of the NAGLU protein (p.Leu381Val). This variant is not present in population databases (gnomAD no frequency). This variant has not been reported in the literature in individuals affected with NAGLU-related conditions. Advanced modeling of protein sequence and biophysical properties (such as structural, functional, and spatial information, amino acid conservation, physicochemical variation, residue mobility, and thermodynamic stability) performed at Invitae indicates that this missense variant is expected to disrupt NAGLU protein function. In summary, the available evidence is currently insufficient to determine the role of this variant in disease. Therefore, it has been classified as a Variant of Uncertain Significance.